The following is an entry in ClinVar:

NM_000441.2(SLC26A4):c.1522A>G (p.Thr508Ala)

Gene: SLC26A4 (solute carrier family 26 member 4; plus strand). Cytogenetic location: 7q22.3.
Variant type: single nucleotide variant.
Coding change: c.1522A>G on transcript NM_000441.2 (MANE Select); coding-DNA position 1522, A replaced by G.
Protein change: p.Thr508Ala; replaces threonine 508 with alanine.
Molecular consequence: missense variant.
Genome position (GRCh38, 1-based): chr7:107,696,017, A>G. VCF-style: chr7-107696017-A-G. GRCh37 (hg19) VCF-style: chr7-107336462-A-G.
Other names: short protein forms T508A.
Identifiers: ClinVar variation 179732 (VCV000179732.11), dbSNP rs727505088, ClinGen allele CA185015.

ClinVar aggregate classification (germline): Pathogenic/Likely pathogenic. Review status: criteria provided, multiple submitters, no conflicts (2 of 4 stars). 5 submissions from 4 submitters: Pathogenic (2); Likely pathogenic (2). 1 of the submissions does not count toward it. Last evaluated 2023-11-08.

Conditions:
Rare genetic deafness. Identifiers: Orphanet 96210, MedGen C5680250.
Autosomal recessive nonsyndromic hearing loss 4 (DFNB4). Also called: FOXI1-Related Pendred Syndrome; KCNJ10-Related Pendred Syndrome; DEAFNESS, AUTOSOMAL RECESSIVE 4, WITH ENLARGED VESTIBULAR AQUEDUCT, DIGENIC; Deafness, autosomal recessive 4; Nonsyndromic enlarged vestibular aqueduct (NSEVA); NEUROSENSORY NONSYNDROMIC RECESSIVE DEAFNESS 4. Identifiers: Orphanet 90636, MedGen C3538946, MONDO:0010933, OMIM 600791.
Pendred syndrome (PDS). Also called: Pendred Syndrome (PDS); DEAFNESS WITH GOITER; Pendred's syndrome; GOITER-DEAFNESS SYNDROME; HYPOTHYROIDISM, CONGENITAL, DUE TO DYSHORMONOGENESIS, 2B; THYROID DYSHORMONOGENESIS 2B. Identifiers: Orphanet 705, MedGen C0271829, MONDO:0010134, OMIM 274600.

Submissions (5):

Baylor Genetics
Classification: Pathogenic for Autosomal recessive nonsyndromic hearing loss 4. Last evaluated: 2023-11-08. Review status: criteria provided, single submitter. Criteria: ACMG Guidelines, 2015. Collection method: clinical testing. Allele origin: unknown.

Genome-Nilou Lab
Classification: Likely pathogenic for Autosomal recessive nonsyndromic hearing loss 4. Last evaluated: 2021-09-05. Review status: criteria provided, single submitter. Criteria: ACMG Guidelines, 2015. Collection method: clinical testing. Allele origin: germline. Affected: no.

Genome-Nilou Lab
Classification: Likely pathogenic for Pendred syndrome. Last evaluated: 2021-09-05. Review status: criteria provided, single submitter. Criteria: ACMG Guidelines, 2015. Collection method: clinical testing. Allele origin: germline. Affected: no.

Laboratory for Molecular Medicine, Mass General Brigham Personalized Medicine
Classification: Pathogenic for Rare genetic deafness. Last evaluated: 2019-03-01. Review status: criteria provided, single submitter. Criteria: LMM Criteria. Collection method: clinical testing. Allele origin: germline. Observed: 2 variant alleles.
Comment: proposed classification - variant undergoing re-assessment, contact laboratory

Counsyl
Classification: Likely pathogenic for Pendred syndrome. Last evaluated: 2018-01-11. Review status: no assertion criteria provided. Collection method: clinical testing. Allele origin: unknown. Not counted in ClinVar's aggregate classification.

Literature cited by the submitters: PubMed 10718825 (cited by Laboratory for Molecular Medicine, Mass General Brigham Personalized Medicine); PubMed 23918157 (cited by Laboratory for Molecular Medicine, Mass General Brigham Personalized Medicine and Counsyl); PubMed 22389666 (cited by Laboratory for Molecular Medicine, Mass General Brigham Personalized Medicine); PubMed 28786104 (cited by Laboratory for Molecular Medicine, Mass General Brigham Personalized Medicine and Counsyl); PubMed 25149764 (cited by Laboratory for Molecular Medicine, Mass General Brigham Personalized Medicine and Counsyl); PubMed 28717060 (cited by Laboratory for Molecular Medicine, Mass General Brigham Personalized Medicine); PubMed 25372295 (cited by Laboratory for Molecular Medicine, Mass General Brigham Personalized Medicine and Counsyl); PubMed 27771369 (cited by Laboratory for Molecular Medicine, Mass General Brigham Personalized Medicine); PubMed 28604962 (cited by Counsyl).